The following is an entry in ClinVar:

ClinVar aggregate classification (germline): Pathogenic (1 of 4 stars; one submission).

Conditions:
Cardiovascular phenotype. Identifiers: MedGen CN230736.
Hereditary cancer-predisposing syndrome. Also called: Neoplastic Syndromes, Hereditary; Tumor predisposition; Hereditary Cancer Syndrome; Hereditary neoplastic syndrome. Identifiers: Orphanet 140162, MedGen C0027672, MeSH D009386, MONDO:0015356.

Submission:

Ambry Genetics
Classification: Pathogenic for Cardiovascular phenotype; Hereditary cancer-predisposing syndrome. Last evaluated: 2016-03-30. Review status: criteria provided, single submitter. Criteria: Ambry Variant Classification Scheme 2023. Collection method: clinical testing. Allele origin: germline.
Comment: The c.3948dupT pathogenic mutation, located in coding exon 29 of the NF1 gene, results from a duplication of T at nucleotide position 3948, causing a translational frameshift with a predicted alternate stop codon. Since frameshifts are typically deleterious in nature, this alteration is interpreted as a disease-causing mutation (ACMG Recommendations for Standards for Interpretation and Reporting of Sequence Variations. Revision 2007. Genet Med. 2008;10:294).

NM_001042492.3(NF1):c.3948dup (p.Val1317fs)

Gene: NF1 (neurofibromin 1; plus strand). Cytogenetic location: 17q11.2.
Variant type: Duplication.
Coding change: c.3948dup on transcript NM_001042492.3 (MANE Select); coding-DNA position 3948, one base duplicated (T; older notation c.3948dupT).
Protein change: p.Val1317fs; shifts the reading frame from valine 1317.
Molecular consequence: frameshift variant.
Genome position (GRCh38, 1-based): chr17:31,235,995, T duplicated. VCF-style (leftmost placement, unchanged base first): chr17-31235994-A-AT. GRCh37 (hg19) VCF-style: chr17-29563012-A-AT.
Other names: c.3948dupT (NM_000267.3); c.3948dup, p.Val1317Cysfs (NM_000267.4); short protein forms V1317fs.
Identifiers: ClinVar variation 484026 (VCV000484026.5), dbSNP rs1555615559, ClinGen allele CA658656600.